The following is an entry in ClinVar:

ClinVar aggregate classification (germline): Uncertain significance. Review status: criteria provided, single submitter (1 of 4 stars). 3 submissions from 2 submitters: Uncertain significance (2). 1 of the submissions does not count toward it.

Conditions:
Transitory neonatal diabetes mellitus. Also called: Transient neonatal diabetes mellitus. Identifiers: MedGen C0342273, MONDO:0020525, HP:0008255.
Maturity-onset diabetes of the young (MODY). Also called: Maturity onset diabetes mellitus in young. Identifiers: Orphanet 552, MedGen C0342276, MONDO:0018911, HP:0004904.
Hyperinsulinemic hypoglycemia, familial, 1 (HHF1). Also called: HYPERINSULINISM, FAMILIAL, WITH PANCREATIC NESIDIOBLASTOSIS; HYPOGLYCEMIA, HYPERINSULINEMIC, OF INFANCY; Persistent hyperinsulinemic hypoglycemia of infancy; NESIDIOBLASTOSIS OF PANCREAS; Persistent Hyperinsulinemia Hypoglycemia of Infancy. Identifiers: Orphanet 276575, Orphanet 276598, MedGen C2931832, MONDO:0009734, OMIM 256450.

Submissions (3):

Clinical Genomics, Uppaluri K&H Personalized Medicine Clinic
Classification: Uncertain significance for Maturity-onset diabetes of the young. Review status: criteria provided, single submitter. Criteria: K & H Uppaluri Personalized Medicine Clinic Variant Classification & Assertion Criteria_Updated V.1. Collection method: research. Allele origin: unknown. Inheritance: Somatic mutation.
Comment: Mutations in ABCC8 gene are associated with both neonatal diabetes mellitus as well as MODY. Patients with this mutation may have a better response to sulfonylureas. However, no sufficient evidence is found to ascertain the role of this particular variant ( rs786204717) in MODY yet.

Clinical Genomics, Uppaluri K&H Personalized Medicine Clinic
Classification: Uncertain significance for Transitory neonatal diabetes mellitus. Review status: criteria provided, single submitter. Criteria: K & H Uppaluri Personalized Medicine Clinic Variant Classification & Assertion Criteria_Updated V.1. Collection method: research. Allele origin: unknown. Inheritance: Somatic mutation.
Comment: Mutations in ABCC8 gene are associated with both neonatal diabetes mellitus as well as MODY. Patients with this mutation may have a better response to sulfonylureas. However, no sufficient evidence is found to ascertain the role of this particular variant ( rs786204717) in neonatal diabetes yet.

Counsyl
Classification: Likely pathogenic for Persistent hyperinsulinemic hypoglycemia of infancy. Last evaluated: 2015-01-08. Review status: no assertion criteria provided. Collection method: literature only. Allele origin: unknown. Inheritance: Autosomal recessive inheritance. Not counted in ClinVar's aggregate classification.

Literature cited by the submitters: PubMed 16885549 (cited by Clinical Genomics, Uppaluri K&H Personalized Medicine Clinic); PubMed 21989597 (cited by Clinical Genomics, Uppaluri K&H Personalized Medicine Clinic); PubMed 27538677 (cited by Clinical Genomics, Uppaluri K&H Personalized Medicine Clinic); PubMed 18981553 (cited by Clinical Genomics, Uppaluri K&H Personalized Medicine Clinic); PubMed 32027066 (cited by Clinical Genomics, Uppaluri K&H Personalized Medicine Clinic); PubMed 16613899 (cited by Clinical Genomics, Uppaluri K&H Personalized Medicine Clinic); PubMed 18025408 (cited by Clinical Genomics, Uppaluri K&H Personalized Medicine Clinic); PubMed 32792356 (cited by Clinical Genomics, Uppaluri K&H Personalized Medicine Clinic); PubMed 20685672 (cited by Counsyl).

NM_000352.6(ABCC8):c.2124_2127del (p.Leu708_Thr709insTer)

Gene: ABCC8 (ATP binding cassette subfamily C member 8; minus strand). Cytogenetic location: 11p15.1.
Variant type: Deletion.
Coding change: c.2124_2127del on transcript NM_000352.6 (MANE Select); coding-DNA positions 2124 to 2127, 4 bases deleted (GACT; older notation c.2124_2127delGACT).
Protein change: p.Leu708_Thr709insTer.
Molecular consequence: frameshift variant. On other transcripts: non-coding transcript variant (1).
Genome position (GRCh38, 1-based): chr11:17,427,144-17,427,147, AGTC deleted on the plus strand (GACT on the coding strand, the reverse complement: ABCC8 is on the minus strand); deleting any 4 consecutive bases within chr11:17,427,144-17,427,149 gives the same sequence; the c. name uses the placement nearest the transcript's 3' end. VCF-style (leftmost placement, unchanged base first): chr11-17427143-TAGTC-T. GRCh37 (hg19) VCF-style: chr11-17448690-TAGTC-T.
Other names: c.2124_2127del, p.Leu708_Thr709insTer (NM_001287174.3); c.2190_2193del, p.Leu730_Thr731insTer (NM_001351295.2); c.2121_2124del, p.Leu707_Thr708insTer (NM_001351296.2, NM_001351297.2).
Identifiers: ClinVar variation 189120 (VCV000189120.4), dbSNP rs786204717, ClinGen allele CA274400.
Genomic context (GRCh38, chr11:17,427,143, plus strand): 5'-TCTCCCCCAGTGCGGCTAGAAGGAGCGAGGACTTGCCGCAGCCCACCTGCCCCACGATCA[TAGTC>T]AGCTGGCCTGCAGGGAGGGAGGGTGGCAGATGTGAGTGGGGCCGGGGGAGTCTGAACAAC-3'